The following is an entry in ClinVar:

ClinVar aggregate classification (germline): Benign/Likely benign. Review status: criteria provided, multiple submitters, no conflicts (2 of 4 stars). 5 submissions from 5 submitters: Benign (3); Likely benign (1). 1 of the submissions does not count toward it. Last evaluated 2025-12-19.

Conditions:
IL1RAPL1-related disorder. Also called: IL1RAPL1-related condition.
Intellectual developmental disorder, X-linked 21. Also called: MENTAL RETARDATION, X-LINKED 34; Mental retardation, X-linked 21/34; Intellectual disability, X-linked 21. Identifiers: Orphanet 777, MedGen C5551510, MONDO:0010256, OMIM 300143.

Allele frequency attached by ClinVar (database versions not stated): gnomAD exomes 0.00026; gnomAD 0.00055 and 0.00066; ESP Exome Variant Server 0.00161; TOPMed 0.00076; ExAC 0.00034; 1000 Genomes Project 30x 0.00042; 1000 Genomes Project 0.00053.
gnomAD v4.1: 193 of 1,207,648 alleles (0.016%); highest among the groups gnomAD compares: African/African-American, 0.26%; no homozygotes.

Submissions (5):

Labcorp Genetics (formerly Invitae), Labcorp
Classification: Benign. Last evaluated: 2025-12-19. Review status: criteria provided, single submitter. Criteria: Invitae Variant Classification Sherloc (09022015). Collection method: clinical testing. Allele origin: germline.

CeGaT Center for Human Genetics Tuebingen
Classification: Likely benign. Last evaluated: 2024-11-01. Review status: criteria provided, single submitter. Criteria: CeGaT Center For Human Genetics Tuebingen Variant Classification Criteria Version 2. Collection method: clinical testing. Allele origin: germline. Affected: yes. Observed: 1 variant allele.
Comment: IL1RAPL1: BP4, BS2

GeneDx
Classification: Benign. Last evaluated: 2019-06-07. Review status: criteria provided, single submitter. Criteria: GeneDx Variant Classification Process June 2021. Collection method: clinical testing. Allele origin: germline. Affected: yes.

Illumina Laboratory Services, Illumina
Classification: Benign for Intellectual developmental disorder, X-linked 21. Last evaluated: 2018-01-13. Review status: criteria provided, single submitter. Criteria: ICSL Variant Classification Criteria 13 December 2019. Collection method: clinical testing. Allele origin: germline.
Comment: This variant was observed in the ICSL laboratory as part of a predisposition screen in an ostensibly healthy population. It had not been previously curated by ICSL or reported in the Human Gene Mutation Database (HGMD: prior to June 1st, 2018), and was therefore a candidate for classification through an automated scoring system. Utilizing variant allele frequency, disease prevalence and penetrance estimates, and inheritance mode, an automated score was calculated to assess if this variant is too frequent to cause the disease. Based on the score and internal cut-off values, a variant classified as benign is not then subjected to further curation. The score for this variant resulted in a classification of benign for this disease.

PreventionGenetics, part of Exact Sciences
Classification: Likely benign for IL1RAPL1-related condition. Last evaluated: 2024-01-22. Review status: no assertion criteria provided. Collection method: clinical testing. Allele origin: germline. Not counted in ClinVar's aggregate classification.
Comment: This variant is classified as likely benign based on ACMG/AMP sequence variant interpretation guidelines (Richards et al. 2015 PMID: 25741868, with internal and published modifications).

NM_014271.4(IL1RAPL1):c.83-6C>T

Gene: IL1RAPL1 (interleukin 1 receptor accessory protein like 1; plus strand). Cytogenetic location: Xp21.3.
Variant type: single nucleotide variant.
Coding change: c.83-6C>T on transcript NM_014271.4 (MANE Select); 6 bases into the intron before coding-DNA position 83, C replaced by T.
Molecular consequence: intron variant.
Genome position (GRCh38, 1-based): chrX:29,282,932, C>T. VCF-style: chrX-29282932-C-T. GRCh37 (hg19) VCF-style: chrX-29301049-C-T.
Identifiers: ClinVar variation 368191 (VCV000368191.30), dbSNP rs180930821, ClinGen allele CA10375368.
Genomic context (GRCh38, chrX:29,282,932, plus strand): 5'-CTAATTGCTTATTTTTTTTGCCTCTAATGTTTTTCCTCTCTTTCTCTGTCTCTTTTTTTA[C>T]GATAGCCGATGGATGCACTGACTGGTCTATCGATATCAAGAAATATCAAGTTTTGGTGGG-3'